The following is an entry in ClinVar:

NM_001369.3(DNAH5):c.6109A>G (p.Ile2037Val)

Gene: DNAH5 (dynein axonemal heavy chain 5; minus strand). Cytogenetic location: 5p15.2.
Variant type: single nucleotide variant.
Coding change: c.6109A>G on transcript NM_001369.3 (MANE Select); coding-DNA position 6109, A replaced by G.
Protein change: p.Ile2037Val; replaces isoleucine 2037 with valine.
Molecular consequence: missense variant.
Genome position (GRCh38, 1-based): chr5:13,830,166, T>C on the plus strand (A>G on the coding strand, the complement: DNAH5 is on the minus strand). VCF-style: chr5-13830166-T-C. GRCh37 (hg19) VCF-style: chr5-13830275-T-C.
Other names: short protein forms I2037V.
Identifiers: ClinVar variation 904351 (VCV000904351.11), dbSNP rs200551639, ClinGen allele CA3203473.

ClinVar aggregate classification (germline): Conflicting classifications of pathogenicity. Review status: criteria provided, conflicting classifications (1 of 4 stars). 4 submissions from 4 submitters: Uncertain significance (3); Likely benign (1). Last evaluated 2026-01-12.

Conditions:
Primary ciliary dyskinesia. Also called: Ciliary dyskinesia. Identifiers: Orphanet 244, MedGen C0008780, MONDO:0016575, HP:0012265.
DNAH5-related disorder. Also called: DNAH5-related condition.
Primary ciliary dyskinesia 3. Identifiers: Orphanet 244, MedGen C1837618, MONDO:0012085, OMIM 608644.

Allele frequency attached by ClinVar (database versions not stated): TOPMed 0.00002; ExAC 0.00003; gnomAD 0.00003; gnomAD exomes 0.00004 and 0.00007; ESP Exome Variant Server 0.00008; 1000 Genomes Project 0.00020; 1000 Genomes Project 30x 0.00031.
gnomAD v4.1: 109 of 1,614,122 alleles (0.0068%); highest among the groups gnomAD compares: Non-Finnish European, 0.0086%; no homozygotes.

Submissions (4):

Labcorp Genetics (formerly Invitae), Labcorp
Classification: Likely benign for Primary ciliary dyskinesia. Last evaluated: 2026-01-12. Review status: criteria provided, single submitter. Criteria: Invitae Variant Classification Sherloc (09022015). Collection method: clinical testing. Allele origin: germline.

PreventionGenetics, part of Exact Sciences
Classification: Uncertain significance for DNAH5-related condition. Last evaluated: 2025-09-10. Review status: criteria provided, single submitter. Criteria: ACMG Guidelines, 2015. Collection method: clinical testing. Allele origin: germline.
Comment: The DNAH5 c.6109A>G variant is predicted to result in the amino acid substitution p.Ile2037Val. To our knowledge, this variant has not been reported in the literature. This variant is reported in 0.011% of alleles in individuals of Latino descent in gnomAD. At this time, the clinical significance of this variant is uncertain due to the absence of conclusive functional and genetic evidence.

Blueprint Genetics
Classification: Uncertain significance. Last evaluated: 2024-01-12. Review status: criteria provided, single submitter. Criteria: ACMG Guidelines, 2015. Collection method: clinical testing. Allele origin: germline.

Illumina Laboratory Services, Illumina
Classification: Uncertain significance for Primary ciliary dyskinesia 3. Last evaluated: 2018-01-13. Review status: criteria provided, single submitter. Criteria: ICSL Variant Classification Criteria 13 December 2019. Collection method: clinical testing. Allele origin: germline.